The following is an entry in ClinVar:

ClinVar aggregate classification (germline): Uncertain significance (1 of 4 stars; one submission).

Submission:

GeneDx
Classification: Uncertain significance. Last evaluated: 2024-04-19. Review status: criteria provided, single submitter. Criteria: GeneDx Variant Classification Process June 2021. Collection method: clinical testing. Allele origin: germline. Affected: yes.
Comment: Not observed at significant frequency in large population cohorts (gnomAD); In-frame deletion of 1 amino acids in a non-repeat region; In silico analysis supports a deleterious effect on protein structure/function; Has not been previously published as pathogenic or benign to our knowledge

NM_001349338.3(FOXP1):c.1239_1241del (p.Leu414del)

Gene: FOXP1 (forkhead box P1; minus strand). Cytogenetic location: 3p13.
Variant type: Deletion.
Coding change: c.1239_1241del on transcript NM_001349338.3 (MANE Select); coding-DNA positions 1239 to 1241, 3 bases deleted (CCT; older notation c.1239_1241delCCT).
Protein change: p.Leu414del; deletes leucine 414.
Molecular consequence: non-coding transcript variant (on NR_146142.3).
Genome position (GRCh38, 1-based): chr3:70,977,935-70,977,937, AGG deleted on the plus strand (CCT on the coding strand, the reverse complement: FOXP1 is on the minus strand). VCF-style (leftmost placement, unchanged base first): chr3-70977934-CAGG-C. GRCh37 (hg19) VCF-style: chr3-71027085-CAGG-C.
Other names: c.1239_1241del, p.Leu414del (NM_001244808.3, NM_001244810.2, NM_001244814.3 and 3 more transcripts); c.1011_1013del, p.Leu338del (NM_001244812.3); c.939_941del, p.Leu314del (NM_001244813.3, NM_001244815.2, NM_001349342.3 and 1 more transcripts); c.936_938del, p.Leu313del (NM_001349337.2, NM_001349343.3, NM_001349344.3); c.1236_1238del, p.Leu413del (NM_001349341.3); short protein forms L313del, L314del, L338del, L413del, L414del.
Identifiers: ClinVar variation 3372028 (VCV003372028.1).